The following is an entry in ClinVar:

ClinVar aggregate classification (germline): Uncertain significance. Review status: criteria provided, multiple submitters, no conflicts (2 of 4 stars). 3 submissions from 3 submitters: Uncertain significance (2). 1 of the submissions does not count toward it. Last evaluated 2024-07-27.

Conditions:
Retinitis pigmentosa (RP). Identifiers: Orphanet 791, MedGen C0035334, MeSH D012174, MONDO:0019200, OMIM 268000. Inheritance: Autosomal dominant, autosomal recessive and X linked inheritance.

Submissions (3):

Labcorp Genetics (formerly Invitae), Labcorp
Classification: Uncertain significance. Last evaluated: 2024-07-27. Review status: criteria provided, single submitter. Criteria: Invitae Variant Classification Sherloc (09022015). Collection method: clinical testing. Allele origin: germline.
Comment: This sequence change creates a premature translational stop signal (p.Phe941*) in the PRPF6 gene. While this is not anticipated to result in nonsense mediated decay, it is expected to disrupt the last 1 amino acid(s) of the PRPF6 protein. This variant is present in population databases (rs747812103, gnomAD 0.003%). This premature translational stop signal has been observed in individual(s) with retinitis pigmentosa (PMID: 31456290). ClinVar contains an entry for this variant (Variation ID: 812381). Experimental studies and prediction algorithms are not available or were not evaluated, and the functional significance of this variant is currently unknown. In summary, the available evidence is currently insufficient to determine the role of this variant in disease. Therefore, it has been classified as a Variant of Uncertain Significance.

Blueprint Genetics
Classification: Uncertain significance. Last evaluated: 2024-06-12. Review status: criteria provided, single submitter. Criteria: ACMG Guidelines, 2015. Collection method: clinical testing. Allele origin: germline.

Sharon lab, Hadassah-Hebrew University Medical Center
Classification: Pathogenic for Retinitis pigmentosa. Last evaluated: 2019-06-23. Review status: no assertion criteria provided. Collection method: research. Allele origin: inherited. Affected: yes. Not counted in ClinVar's aggregate classification.

Literature cited by the submitters: PubMed 31456290 (cited by Labcorp Genetics (formerly Invitae), Labcorp).

NM_012469.4(PRPF6):c.2822_2824del (p.Phe941del)

Gene: PRPF6 (pre-mRNA processing factor 6; plus strand). Cytogenetic location: 20q13.33.
Variant type: Deletion.
Coding change: c.2822_2824del on transcript NM_012469.4 (MANE Select); coding-DNA positions 2822 to 2824, 3 bases deleted (TCT; older notation c.2822_2824delTCT).
Protein change: p.Phe941del; deletes phenylalanine 941.
Molecular consequence: inframe deletion.
Genome position (GRCh38, 1-based): chr20:64,032,989-64,032,991, TCT deleted; deleting any 3 consecutive bases within chr20:64,032,987-64,032,991 gives the same sequence; the c. name uses the placement nearest the transcript's 3' end. VCF-style (leftmost placement, unchanged base first): chr20-64032986-CCTT-C. GRCh37 (hg19) VCF-style: chr20-62664339-CCTT-C.
Other names: c.2822_2824delTCT (NM_012469.4); short protein forms F941del.
Identifiers: ClinVar variation 812381 (VCV000812381.4), dbSNP rs747812103, ClinGen allele CA9972607.
Genomic context (GRCh38, chr20:64,032,986, plus strand): 5'-CCAACTGGCAGAAGAAGATCGGGGACATCCTTAGGCTGGTGGCCGGCCGCATCAAGAACA[CCTT>C]CTGATTGAGCGGTTGCCATGGCCGGTCTCCGTGGGGCAGGGTTGGGCCGCATGTGGAAGG-3'